The following is an entry in ClinVar:

NM_000166.6(GJB1):c.9G>A (p.Trp3Ter)

Gene: GJB1 (gap junction protein beta 1; plus strand). Cytogenetic location: Xq13.1.
Variant type: single nucleotide variant.
Coding change: c.9G>A on transcript NM_000166.6 (MANE Select); coding-DNA position 9, G replaced by A.
Protein change: p.Trp3Ter; replaces tryptophan 3 with a stop codon.
Molecular consequence: nonsense.
Genome position (GRCh38, 1-based): chrX:71,223,716, G>A. VCF-style: chrX-71223716-G-A. GRCh37 (hg19) VCF-style: chrX-70443566-G-A.
Other names: c.9G>A, p.Trp3Ter (NM_001097642.3); short protein forms W3*.
Identifiers: ClinVar variation 216040 (VCV000216040.7), dbSNP rs863224472, ClinGen allele CA338521.

ClinVar aggregate classification (germline): Pathogenic (1 of 4 stars; one submission).

Conditions:
Charcot-Marie-Tooth Neuropathy X. Identifiers: MedGen CN118851.

Submission:

Labcorp Genetics (formerly Invitae), Labcorp
Classification: Pathogenic for Charcot-Marie-Tooth Neuropathy X. Last evaluated: 2023-09-14. Review status: criteria provided, single submitter. Criteria: Invitae Variant Classification Sherloc (09022015). Collection method: clinical testing. Allele origin: germline.
Comment: For these reasons, this variant has been classified as Pathogenic. This sequence change creates a premature translational stop signal (p.Trp3*) in the GJB1 gene. While this is not anticipated to result in nonsense mediated decay, it is expected to disrupt the last 281 amino acid(s) of the GJB1 protein. This variant is not present in population databases (gnomAD no frequency). This variant has not been reported in the literature in individuals affected with GJB1-related conditions. ClinVar contains an entry for this variant (Variation ID: 216040). This variant disrupts a region of the GJB1 protein in which other variant(s) (p.Arg220*, p.Tyr65*) have been determined to be pathogenic (PMID: 7477983, 9364054, 22464564). This suggests that this is a clinically significant region of the protein, and that variants that disrupt it are likely to be disease-causing.

Literature cited by the submitters: PubMed 7477983; PubMed 9364054; PubMed 22464564.